The following is an entry in ClinVar:

ClinVar aggregate classification (germline): Uncertain significance (1 of 4 stars; one submission).

Conditions:
CUX2-related disorder. Also called: CUX2-related condition.

Submission:

PreventionGenetics, part of Exact Sciences
Classification: Uncertain significance for CUX2-related condition. Last evaluated: 2026-05-01. Review status: criteria provided, single submitter. Criteria: ACMG Guidelines, 2015. Collection method: clinical testing. Allele origin: germline.
Comment: The CUX2 c.4042C>A variant is predicted to result in the amino acid substitution p.Pro1348Thr. To our knowledge, this variant has not been reported in the literature or in a large population database (gnomAD), indicating this variant is rare. At this time, the clinical significance of this variant is uncertain due to the absence of conclusive functional and genetic evidence.

NM_015267.4(CUX2):c.4042C>A (p.Pro1348Thr)

Gene: CUX2 (cut like homeobox 2; plus strand). Cytogenetic location: 12q24.12.
Variant type: single nucleotide variant.
Coding change: c.4042C>A on transcript NM_015267.4 (MANE Select); coding-DNA position 4042, C replaced by A.
Protein change: p.Pro1348Thr; replaces proline 1348 with threonine.
Molecular consequence: missense variant.
Genome position (GRCh38, 1-based): chr12:111,347,906, C>A. VCF-style: chr12-111347906-C-A. GRCh37 (hg19) VCF-style: chr12-111785710-C-A.
Other names: c.3856C>A, p.Pro1286Thr (NM_001370598.1); short protein forms P1286T, P1348T.
Identifiers: ClinVar variation 4987947 (VCV004987947.1).